The following is an entry in ClinVar:

NM_171998.4(RAB39B):c.602C>T (p.Ser201Leu)

Gene: RAB39B (RAB39B, member RAS oncogene family; minus strand). Cytogenetic location: Xq28.
Variant type: single nucleotide variant.
Coding change: c.602C>T on transcript NM_171998.4 (MANE Select); coding-DNA position 602, C replaced by T.
Protein change: p.Ser201Leu; replaces serine 201 with leucine.
Molecular consequence: missense variant.
Genome position (GRCh38, 1-based): chrX:155,260,843, G>A on the plus strand (C>T on the coding strand, the complement: RAB39B is on the minus strand). VCF-style: chrX-155260843-G-A. GRCh37 (hg19) VCF-style: chrX-154490128-G-A.
Other names: short protein forms S201L.
Identifiers: ClinVar variation 4975454 (VCV004975454.1).

ClinVar aggregate classification (germline): Uncertain significance (1 of 4 stars; one submission).

Submission:

GeneDx
Classification: Uncertain significance. Last evaluated: 2026-01-25. Review status: criteria provided, single submitter. Criteria: GeneDx Variant Classification Process June 2021. Collection method: clinical testing. Allele origin: germline.
Comment: Not observed at significant frequency in large population cohorts (gnomAD); In silico analysis suggests that this missense variant does not alter protein structure/function; Has not been previously published as pathogenic or benign to our knowledge